The following is an entry in ClinVar:

ClinVar aggregate classification (germline): Uncertain significance (1 of 4 stars; one submission).

Conditions:
Achondrogenesis, type IA (ACG1A). Identifiers: Orphanet 932, Orphanet 93299, MedGen C0265273, MONDO:0008701, OMIM 200600.

Allele frequency attached by ClinVar (database versions not stated): gnomAD 0.00001; gnomAD exomes 0.00001; ExAC 0.00002.
gnomAD v4.1: 5 of 1,600,560 alleles (0.00031%); highest among the groups gnomAD compares: Middle Eastern, 0.019%; no homozygotes.

Submission:

Labcorp Genetics (formerly Invitae), Labcorp
Classification: Uncertain significance for Achondrogenesis, type IA. Last evaluated: 2023-11-06. Review status: criteria provided, single submitter. Criteria: Invitae Variant Classification Sherloc (09022015). Collection method: clinical testing. Allele origin: germline.
Comment: This sequence change replaces isoleucine, which is neutral and non-polar, with threonine, which is neutral and polar, at codon 318 of the TRIP11 protein (p.Ile318Thr). This variant is present in population databases (rs768186245, gnomAD 0.006%). This variant has not been reported in the literature in individuals affected with TRIP11-related conditions. Advanced modeling of protein sequence and biophysical properties (such as structural, functional, and spatial information, amino acid conservation, physicochemical variation, residue mobility, and thermodynamic stability) performed at Invitae indicates that this missense variant is not expected to disrupt TRIP11 protein function with a negative predictive value of 80%. In summary, the available evidence is currently insufficient to determine the role of this variant in disease. Therefore, it has been classified as a Variant of Uncertain Significance.

NM_004239.4(TRIP11):c.953T>C (p.Ile318Thr)

Gene: TRIP11 (thyroid hormone receptor interactor 11; minus strand). Cytogenetic location: 14q32.12.
Variant type: single nucleotide variant.
Coding change: c.953T>C on transcript NM_004239.4 (MANE Select); coding-DNA position 953, T replaced by C.
Protein change: p.Ile318Thr; replaces isoleucine 318 with threonine.
Molecular consequence: missense variant.
Genome position (GRCh38, 1-based): chr14:92,014,448, A>G on the plus strand (T>C on the coding strand, the complement: TRIP11 is on the minus strand). VCF-style: chr14-92014448-A-G. GRCh37 (hg19) VCF-style: chr14-92480792-A-G.
Other names: c.950T>C, p.Ile317Thr (NM_001321851.1); short protein forms I317T, I318T.
Identifiers: ClinVar variation 3013551 (VCV003013551.3), dbSNP rs768186245, ClinGen allele CA7314049.